The following is an entry in ClinVar:

NM_000059.4(BRCA2):c.1700C>T (p.Thr567Ile)

Gene: BRCA2 (BRCA2 DNA repair associated; plus strand). Cytogenetic location: 13q13.1.
Variant type: single nucleotide variant.
Coding change: c.1700C>T on transcript NM_000059.4 (MANE Select); coding-DNA position 1700, C replaced by T.
Protein change: p.Thr567Ile; replaces threonine 567 with isoleucine.
Molecular consequence: missense variant.
Genome position (GRCh38, 1-based): chr13:32,333,178, C>T. VCF-style: chr13-32333178-C-T. GRCh37 (hg19) VCF-style: chr13-32907315-C-T.
Other names: short protein forms T567I.
Identifiers: ClinVar variation 141955 (VCV000141955.9), dbSNP rs587782139, ClinGen allele CA012932.

ClinVar aggregate classification (germline): Conflicting classifications of pathogenicity. Review status: criteria provided, conflicting classifications (1 of 4 stars). 3 submissions from 3 submitters: Uncertain significance (2); Likely benign (1). Last evaluated 2025-07-31.

Conditions:
Hereditary cancer-predisposing syndrome. Also called: Neoplastic Syndromes, Hereditary; Tumor predisposition; Hereditary Cancer Syndrome; Hereditary neoplastic syndrome. Identifiers: Orphanet 140162, MedGen C0027672, MeSH D009386, MONDO:0015356.
Hereditary breast ovarian cancer syndrome. Also called: Breast and ovarian cancer; Hereditary breast and ovarian cancer; Hereditary breast and/or ovarian cancer syndrome; BRCA1- and BRCA2-Associated Hereditary Breast and Ovarian Cancer; Hereditary breast and ovarian cancer syndrome; Hereditary breast and ovarian cancer syndrome (HBOC). Identifiers: Orphanet 145, MedGen C0677776, MeSH D061325, MONDO:0003582. Disease mechanism: loss of function.

Allele frequency attached by ClinVar (database versions not stated): gnomAD exomes below 0.00001; ExAC 0.00001.

Submissions (3):

Labcorp Genetics (formerly Invitae), Labcorp
Classification: Uncertain significance for Hereditary breast ovarian cancer syndrome. Last evaluated: 2025-07-31. Review status: criteria provided, single submitter. Criteria: Invitae Variant Classification Sherloc (09022015). Collection method: clinical testing. Allele origin: germline.
Comment: This sequence change replaces threonine, which is neutral and polar, with isoleucine, which is neutral and non-polar, at codon 567 of the BRCA2 protein (p.Thr567Ile). This variant is present in population databases (rs587782139, gnomAD 0.0009%). This missense change has been observed in individual(s) with breast cancer (PMID: 34178674). ClinVar contains an entry for this variant (Variation ID: 141955). Invitae Evidence Modeling of protein sequence and biophysical properties (such as structural, functional, and spatial information, amino acid conservation, physicochemical variation, residue mobility, and thermodynamic stability) indicates that this missense variant is not expected to disrupt BRCA2 protein function with a negative predictive value of 95%. In summary, the available evidence is currently insufficient to determine the role of this variant in disease. Therefore, it has been classified as a Variant of Uncertain Significance.

University of Washington Department of Laboratory Medicine, University of Washington
Classification: Likely benign for Hereditary cancer-predisposing syndrome. Last evaluated: 2023-03-23. Review status: criteria provided, single submitter. Criteria: Dines et al. (Genet Med. 2020). Collection method: curation. Allele origin: germline.
Comment: Missense variant in a coldspot region where missense variants are very unlikely to be pathogenic (PMID:31911673).

BRCA2 exon 10 coldspot. Reclassification based on statistical prior probability.

Ambry Genetics
Classification: Uncertain significance for Hereditary cancer-predisposing syndrome. Last evaluated: 2016-10-31. Review status: criteria provided, single submitter. Criteria: Ambry Autosomal Dominant and X-Linked criteria (10/2015). Collection method: clinical testing. Allele origin: germline. Observed: 1 variant allele.
Comment: Ã¢â‚¬â€¹The p.T567I variant (also known as c.1700C>T and 1928C>T) is located in coding exon 9 of the BRCA2 gene. This alteration results from a C to T substitution at nucleotide position 1700. The threonine at codon 567 is replaced by isoleucine, an amino acid with similar properties. This variant was not reported in population-based cohorts in the following databases: Database of Single Nucleotide Polymorphisms (dbSNP), NHLBI Exome Sequencing Project (ESP) and 1000 Genomes Project. Based on protein sequence alignment, this amino acid position is poorly conserved in available vertebrate species. In addition, this alteration is predicted to be tolerated by in silico analysis. Since supporting evidence is limited at this time, the clinical significance of p.T567I remains unclear.

Literature cited by the submitters: PubMed 34178674 (cited by Labcorp Genetics (formerly Invitae), Labcorp).